The following is an entry in ClinVar:

ClinVar aggregate classification (germline): Uncertain significance (1 of 4 stars; one submission).

Conditions:
Neurofibromatosis, type 1 (NF1). Also called: VON RECKLINGHAUSEN DISEASE; Neurofibromatosis, type I; Peripheral type neurofibromatosis; NEUROFIBROMATOSIS, TYPE I, SOMATIC. Identifiers: Orphanet 636, MedGen C0027831, MONDO:0018975, OMIM 162200. Disease mechanism: loss of function.

Submission:

Labcorp Genetics (formerly Invitae), Labcorp
Classification: Uncertain significance for Neurofibromatosis, type 1. Last evaluated: 2023-03-29. Review status: criteria provided, single submitter. Criteria: Invitae Variant Classification Sherloc (09022015). Collection method: clinical testing. Allele origin: unknown.
Comment: In summary, the available evidence is currently insufficient to determine the role of this variant in disease. Therefore, it has been classified as a Variant of Uncertain Significance. This variant has not been reported in the literature in individuals affected with NF1-related conditions. This variant results in a copy number gain of the genomic region encompassing exon(s) 50-57 of the NF1 gene. This region includes the termination codon of the gene. This copy number gain extends beyond the assayed region for this gene and therefore may encompass additional genes. As the precise location of this event is unknown, it may be in tandem or it may be located elsewhere in the genome.

NC_000017.10:g.(?_29679265)_(29701173_?)dup

Gene: NF1 (neurofibromin 1; plus strand). Cytogenetic location: 17q11.2.
Variant type: Duplication.
Identifiers: ClinVar variation 3242900 (VCV003242900.1).